The following is an entry in ClinVar:

NM_002546.4(TNFRSF11B):c.584G>T (p.Cys195Phe)

Gene: TNFRSF11B (TNF receptor superfamily member 11b; minus strand). Cytogenetic location: 8q24.12.
Variant type: single nucleotide variant.
Coding change: c.584G>T on transcript NM_002546.4 (MANE Select); coding-DNA position 584, G replaced by T.
Protein change: p.Cys195Phe; replaces cysteine 195 with phenylalanine.
Molecular consequence: missense variant.
Genome position (GRCh38, 1-based): chr8:118,928,746, C>A on the plus strand (G>T on the coding strand, the complement: TNFRSF11B is on the minus strand). VCF-style: chr8-118928746-C-A. GRCh37 (hg19) VCF-style: chr8-119940985-C-A.
Other names: short protein forms C195F.
Identifiers: ClinVar variation 1721827 (VCV001721827.5), dbSNP rs2488051573, ClinGen allele CA371919632.
Genomic context (GRCh38, chr8:118,928,746, plus strand): 5'-AGAGAGATGATACTACAAAATCGTACAAAGACGTATTTTGGAATGTAATTACCTATTCCA[C>A]ATTTTTGAGTTGATTCACTGTTTCCGGAACATATGTTGTCGTGTGTTGCATTTCCTTTCT-3'
Protein context (NP_002537.3, residues 185-205): CSGNSESTQK[Cys195Phe]GIDVTLCEEA

ClinVar aggregate classification (germline): Uncertain significance (1 of 4 stars; one submission).

Submission:

Labcorp Genetics (formerly Invitae), Labcorp
Classification: Uncertain significance. Last evaluated: 2022-11-23. Review status: criteria provided, single submitter. Criteria: Invitae Variant Classification Sherloc (09022015). Collection method: clinical testing. Allele origin: germline.
Comment: In summary, the available evidence is currently insufficient to determine the role of this variant in disease. Therefore, it has been classified as a Variant of Uncertain Significance. Advanced modeling of protein sequence and biophysical properties (such as structural, functional, and spatial information, amino acid conservation, physicochemical variation, residue mobility, and thermodynamic stability) has been performed at Invitae for this missense variant, however the output from this modeling did not meet the statistical confidence thresholds required to predict the impact of this variant on TNFRSF11B protein function. This variant has not been reported in the literature in individuals affected with TNFRSF11B-related conditions. This variant is not present in population databases (gnomAD no frequency). This sequence change replaces cysteine, which is neutral and slightly polar, with phenylalanine, which is neutral and non-polar, at codon 195 of the TNFRSF11B protein (p.Cys195Phe).